The following is an entry in ClinVar:

ClinVar aggregate classification (germline): Uncertain significance (1 of 4 stars; one submission).

gnomAD v4.1: 6 of 1,614,190 alleles (0.00037%); highest among the groups gnomAD compares: Non-Finnish European, 0.00051%; no homozygotes.

Submission:

Labcorp Genetics (formerly Invitae), Labcorp
Classification: Uncertain significance. Last evaluated: 2025-05-07. Review status: criteria provided, single submitter. Criteria: Invitae Variant Classification Sherloc (09022015). Collection method: clinical testing. Allele origin: germline.
Comment: This sequence change replaces serine, which is neutral and polar, with glycine, which is neutral and non-polar, at codon 532 of the MTMR14 protein (p.Ser532Gly). This variant is present in population databases (rs765776636, gnomAD 0.003%). This variant has not been reported in the literature in individuals affected with MTMR14-related conditions. An algorithm developed to predict the effect of missense changes on protein structure and function outputs the following: PolyPhen-2: "Benign". The glycine amino acid residue is found in multiple mammalian species, which suggests that this missense change does not adversely affect protein function. In summary, the available evidence is currently insufficient to determine the role of this variant in disease. Therefore, it has been classified as a Variant of Uncertain Significance.

NM_001077525.3(MTMR14):c.1930A>G (p.Ser644Gly)

Gene: MTMR14 (myotubularin related protein 14; plus strand). Cytogenetic location: 3p25.3.
Variant type: single nucleotide variant.
Coding change: c.1930A>G on transcript NM_001077525.3 (MANE Select); coding-DNA position 1930, A replaced by G.
Protein change: p.Ser644Gly; replaces serine 644 with glycine.
Molecular consequence: missense variant. On other transcripts: non-coding transcript variant (9).
Genome position (GRCh38, 1-based): chr3:9,701,950, A>G. VCF-style: chr3-9701950-A-G. GRCh37 (hg19) VCF-style: chr3-9743634-A-G.
Other names: c.1774A>G, p.Ser592Gly (NM_001077526.3); c.1999A>G, p.Ser667Gly (NM_001400518.1); c.1927A>G, p.Ser643Gly (NM_001400519.1); c.1855A>G, p.Ser619Gly (NM_001400520.1); c.1843A>G, p.Ser615Gly (NM_001400521.1); c.1771A>G, p.Ser591Gly (NM_001400522.1); c.1699A>G, p.Ser567Gly (NM_001400523.1); c.1684A>G, p.Ser562Gly (NM_001400524.1); and 19 more; short protein forms S378G, S405G, S450G, S562G, S591G, S293G, S425G, S430G.
Identifiers: ClinVar variation 4753163 (VCV004753163.1).